The following is an entry in ClinVar:

NM_000632.4(ITGAM):c.761T>C (p.Val254Ala)

Genes: ITGAM (integrin subunit alpha M; plus strand), LOC126862332 (BRD4-independent group 4 enhancer GRCh37_chr16:31284654-31285853; plus strand). Cytogenetic location: 16p11.2.
Variant type: single nucleotide variant.
Coding change: c.761T>C on transcript NM_000632.4 (MANE Select); coding-DNA position 761, T replaced by C.
Protein change: p.Val254Ala; replaces valine 254 with alanine.
Molecular consequence: missense variant.
Genome position (GRCh38, 1-based): chr16:31,273,421, T>C. VCF-style: chr16-31273421-T-C. GRCh37 (hg19) VCF-style: chr16-31284742-T-C.
Other names: c.761T>C, p.Val254Ala (NM_001145808.2); short protein forms V254A.
Identifiers: ClinVar variation 2792265 (VCV002792265.3), dbSNP rs2544388039, ClinGen allele CA395694331.

ClinVar aggregate classification (germline): Uncertain significance (1 of 4 stars; one submission).

Allele frequency attached by ClinVar (database versions not stated): gnomAD exomes below 0.00001.
gnomAD v4.1: 2 of 1,613,864 alleles (0.00012%); highest among the groups gnomAD compares: Non-Finnish European, 0.00017%; no homozygotes.

Submission:

Labcorp Genetics (formerly Invitae), Labcorp
Classification: Uncertain significance. Last evaluated: 2023-10-08. Review status: criteria provided, single submitter. Criteria: Invitae Variant Classification Sherloc (09022015). Collection method: clinical testing. Allele origin: germline.
Comment: This sequence change replaces valine, which is neutral and non-polar, with alanine, which is neutral and non-polar, at codon 254 of the ITGAM protein (p.Val254Ala). This variant is not present in population databases (gnomAD no frequency). This variant has not been reported in the literature in individuals affected with ITGAM-related conditions. An algorithm developed to predict the effect of missense changes on protein structure and function (PolyPhen-2) suggests that this variant is likely to be disruptive. In summary, the available evidence is currently insufficient to determine the role of this variant in disease. Therefore, it has been classified as a Variant of Uncertain Significance.